The following is an entry in ClinVar:

NM_000443.4(ABCB4):c.1801G>T (p.Ala601Ser)

Gene: ABCB4 (ATP binding cassette subfamily B member 4; minus strand). Cytogenetic location: 7q21.12.
Variant type: single nucleotide variant.
Coding change: c.1801G>T on transcript NM_000443.4 (MANE Select); coding-DNA position 1801, G replaced by T.
Protein change: p.Ala601Ser; replaces alanine 601 with serine.
Molecular consequence: missense variant.
Genome position (GRCh38, 1-based): chr7:87,431,496, C>A on the plus strand (G>T on the coding strand, the complement: ABCB4 is on the minus strand). VCF-style: chr7-87431496-C-A. GRCh37 (hg19) VCF-style: chr7-87060812-C-A.
Other names: c.1801G>T, p.Ala601Ser (NM_018849.3, NM_018850.3); short protein forms A601S.
Identifiers: ClinVar variation 812980 (VCV000812980.5), dbSNP rs1037196284, ClinGen allele CA368035100.

ClinVar aggregate classification (germline): Uncertain significance. Review status: criteria provided, multiple submitters, no conflicts (2 of 4 stars). 4 submissions from 4 submitters: Uncertain significance (3). 1 of the submissions does not count toward it. Last evaluated 2026-05-07.

Conditions:
ABCB4-related disorder. Also called: ABCB4-related disorders; ABCB4-related condition.
Familial intrahepatic cholestasis. Identifiers: Orphanet 284385, MedGen CN296401, MONDO:0017290.
Cholestasis, intrahepatic, of pregnancy, 3. Identifiers: Orphanet 69665, MedGen C3554241, MONDO:0013995, OMIM 614972.

Allele frequency attached by ClinVar (database versions not stated): TOPMed 0.00002; gnomAD 0.00003.
gnomAD v4.1: 22 of 1,614,000 alleles (0.0014%); highest among the groups gnomAD compares: Non-Finnish European, 0.0019%; no homozygotes.

Submissions (4):

PreventionGenetics, part of Exact Sciences
Classification: Uncertain significance for ABCB4-related condition. Last evaluated: 2026-05-07. Review status: criteria provided, single submitter. Criteria: ACMG Guidelines, 2015. Collection method: clinical testing. Allele origin: germline.
Comment: The ABCB4 c.1801G>T variant is predicted to result in the amino acid substitution p.Ala601Ser. This variant has been reported in the heterozygous state in individuals with intrahepatic cholestasis of pregnancy (Dixon et al. 2017. PubMed ID: 28924228; Table S2, Turro et al. 2020. PubMed ID: 32581362). This variant is reported in 0.0023% of alleles in individuals of European (Non-Finnish) descent in gnomAD. At this time, the clinical significance of this variant is uncertain due to the absence of conclusive functional and genetic evidence.

Genomenon, Inc
Classification: Uncertain significance for Familial intrahepatic cholestasis. Last evaluated: 2026-04-14. Review status: criteria provided, single submitter. Criteria: Genomenon Sequence Variant Interpretation Standards - Updated. Collection method: curation. Allele origin: germline. Affected: yes.
Comment: ABCB4 p.Ala601Ser (c.1801G>T) is a missense variant that changes the amino acid at residue 601 from Alanine to Serine. This variant has been observed in at least one proband with an ABCB4-related disorder (PMID:28924228). It is absent or not present at a significant frequency in gnomAD. In conclusion, we classify ABCB4 p.Ala601Ser (c.1801G>T) as a variant of uncertain significance.

Women's Health and Genetics/Laboratory Corporation of America, LabCorp
Classification: Uncertain significance. Last evaluated: 2021-07-19. Review status: criteria provided, single submitter. Criteria: LabCorp Variant Classification Summary - May 2015. Collection method: clinical testing. Allele origin: germline.
Comment: Variant summary: ABCB4 c.1801G>T (p.Ala601Ser) results in a conservative amino acid change located in the ABC transporter-like, ATP binding domain (IPR003439) of the encoded protein sequence. Three of five in-silico tools predict a damaging effect of the variant on protein function. The variant allele was found at a frequency of 8e-06 in 251190 control chromosomes. c.1801G>T has been reported in the literature in at-least one individual affected with Familial Intrahepatic Cholestasis (example Dixon_2017) and as an uninformative genotype in a cohort of individuals with rare diseases who underwent whole genome sequencing in a national health system (example, Turro_2020). These data indicate that the variant may be associated with disease. To our knowledge, no experimental evidence demonstrating an impact on protein function has been reported. No clinical diagnostic laboratories have submitted clinical- (example, significance assessments for this variant to ClinVar after 2014. Based on the evidence outlined above, the variant was classified as VUS-possibly pathogenic.

NIHR Bioresource Rare Diseases, University of Cambridge
Classification: Likely pathogenic for Cholestasis, intrahepatic, of pregnancy, 3. Review status: no assertion criteria provided. Collection method: research. Allele origin: unknown. Affected: yes. Observed: 1 variant allele. Not counted in ClinVar's aggregate classification.

Literature cited by the submitters: PubMed 28924228 (cited by Genomenon, Inc and Women's Health and Genetics/Laboratory Corporation of America, LabCorp); PubMed 32581362 (cited by Women's Health and Genetics/Laboratory Corporation of America, LabCorp and NIHR Bioresource Rare Diseases, University of Cambridge).